The following is an entry in ClinVar:

NM_178857.6(RP1L1):c.250C>A (p.Pro84Thr)

Gene: RP1L1 (RP1 like 1). Cytogenetic location: 8p23.1.
Variant type: single nucleotide variant.
Coding change: c.250C>A on transcript NM_178857.6 (MANE Select); coding-DNA position 250, C replaced by A.
Protein change: p.Pro84Thr; replaces proline 84 with threonine.
Molecular consequence: missense variant.
Genome position (GRCh38, 1-based): chr8:10,622,952, G>T on the plus strand (C>A on the coding strand, the complement: RP1L1 is on the minus strand). VCF-style: chr8-10622952-G-T. GRCh37 (hg19) VCF-style: chr8-10480462-G-T.
Other names: short protein forms P84T.
Identifiers: ClinVar variation 3690410 (VCV003690410.3).
Genomic context (GRCh38, chr8:10,622,952, plus strand): 5'-AGAGGTAGCAGCCTCCATCTTCCAGCTGCTCCAGGGCGCTGAGGCTATGCAGGCCCCGGG[G>T]TGTGGTGACAGAGCGCACCCCAAAGGAGAGAGGCACGCGCTGGGAGAGCTCGTCCATGAG-3'
Protein context (NP_849188.4, residues 74-94): LSFGVRSVTT[Pro84Thr]RGLHSLSALE

ClinVar aggregate classification (germline): Uncertain significance. Review status: criteria provided, multiple submitters, no conflicts (2 of 4 stars). 2 submissions from 2 submitters: Uncertain significance (2). Last evaluated 2024-09-01.

gnomAD v4.1: 4 of 1,614,008 alleles (0.00025%); highest among the groups gnomAD compares: African/African-American, 0.0053%; no homozygotes.

Submissions (2):

Labcorp Genetics (formerly Invitae), Labcorp
Classification: Uncertain significance. Last evaluated: 2024-09-01. Review status: criteria provided, single submitter. Criteria: Invitae Variant Classification Sherloc (09022015). Collection method: clinical testing. Allele origin: germline.
Comment: This sequence change replaces proline, which is neutral and non-polar, with threonine, which is neutral and polar, at codon 84 of the RP1L1 protein (p.Pro84Thr). This variant is present in population databases (rs748807865, gnomAD 0.007%). This variant has not been reported in the literature in individuals affected with RP1L1-related conditions. Invitae Evidence Modeling of protein sequence and biophysical properties (such as structural, functional, and spatial information, amino acid conservation, physicochemical variation, residue mobility, and thermodynamic stability) has been performed for this missense variant. However, the output from this modeling did not meet the statistical confidence thresholds required to predict the impact of this variant on RP1L1 protein function. In summary, the available evidence is currently insufficient to determine the role of this variant in disease. Therefore, it has been classified as a Variant of Uncertain Significance.

Blueprint Genetics
Classification: Uncertain significance. Last evaluated: 2021-12-07. Review status: criteria provided, single submitter. Criteria: ACMG Guidelines, 2015. Collection method: clinical testing. Allele origin: germline.